The following is an entry in ClinVar:

ClinVar aggregate classification (germline): Uncertain significance (1 of 4 stars; one submission).

Conditions:
Fibrochondrogenesis. Identifiers: Orphanet 2021, MedGen C0265282, MONDO:0016068.
Autosomal recessive Stickler syndrome. Identifiers: Orphanet 250984, MedGen C5439212, MONDO:0016647.
Marshall syndrome (MRSHS). Identifiers: Orphanet 560, MedGen C0265235, MONDO:0007949, OMIM 154780.
Stickler syndrome type 2 (STL2). Also called: COL11A1-Related Stickler Syndrome; STICKLER SYNDROME, BEADED VITREOUS TYPE; STICKLER SYNDROME, VITREOUS TYPE 2; STICKLER SYNDROME, TYPE II. Identifiers: Orphanet 828, Orphanet 90654, MedGen C1858084, MONDO:0011493, OMIM 604841.

Allele frequency attached by ClinVar (database versions not stated): TOPMed below 0.00001; gnomAD 0.00001.
gnomAD v4.1: 2 of 1,611,826 alleles (0.00012%); highest among the groups gnomAD compares: Non-Finnish European, 0.00017%; no homozygotes.

Submission:

Labcorp Genetics (formerly Invitae), Labcorp
Classification: Uncertain significance. Last evaluated: 2022-07-17. Review status: criteria provided, single submitter. Criteria: Invitae Variant Classification Sherloc (09022015). Collection method: clinical testing. Allele origin: germline.
Comment: In summary, the available evidence is currently insufficient to determine the role of this variant in disease. Therefore, it has been classified as a Variant of Uncertain Significance. This variant is not present in population databases (gnomAD no frequency). Advanced modeling of protein sequence and biophysical properties (such as structural, functional, and spatial information, amino acid conservation, physicochemical variation, residue mobility, and thermodynamic stability) performed at Invitae indicates that this missense variant is expected to disrupt COL11A1 protein function. This variant has not been reported in the literature in individuals affected with COL11A1-related conditions. This sequence change replaces glycine, which is neutral and non-polar, with cysteine, which is neutral and slightly polar, at codon 1414 of the COL11A1 protein (p.Gly1414Cys).

NM_001854.4(COL11A1):c.4240G>T (p.Gly1414Cys)

Gene: COL11A1 (collagen type XI alpha 1 chain; minus strand). Cytogenetic location: 1p21.1.
Variant type: single nucleotide variant.
Coding change: c.4240G>T on transcript NM_001854.4 (MANE Select); coding-DNA position 4240, G replaced by T.
Protein change: p.Gly1414Cys; replaces glycine 1414 with cysteine.
Molecular consequence: missense variant. On other transcripts: non-coding transcript variant (1).
Genome position (GRCh38, 1-based): chr1:102,898,674, C>A on the plus strand (G>T on the coding strand, the complement: COL11A1 is on the minus strand). VCF-style: chr1-102898674-C-A. GRCh37 (hg19) VCF-style: chr1-103364230-C-A.
Other names: c.3892G>T, p.Gly1298Cys (NM_001168249.1, NM_080630.4); c.4123G>T, p.Gly1375Cys (NM_001190709.2); c.4276G>T, p.Gly1426Cys (NM_080629.3); c.4240G>T (NM_001854.3); short protein forms G1375C, G1298C, G1414C, G1426C.
Identifiers: ClinVar variation 2015216 (VCV002015216.5), dbSNP rs1377996908, ClinGen allele CA341155257.
Genomic context (GRCh38, chr1:102,898,674, plus strand): 5'-TAAAATAAAAATGTTATTTTCAAAATGGCATCTTTTTAACACAGATGCTCACCACAGGAC[C>A]AGGGATGCCCCGAAGACCTTCTGGACCAGGCTTTCCTGCAGGTCCCTGAGGACCGACTGG-3'
Protein context (NP_001845.3, residues 1404-1424): PGPEGLRGIP[Gly1414Cys]PVGEQGLPGA